The following is an entry in ClinVar:

ClinVar aggregate classification (germline): Uncertain significance. Review status: criteria provided, multiple submitters, no conflicts (2 of 4 stars). 2 submissions from 2 submitters: Uncertain significance (2). Last evaluated 2024-10-24.

Conditions:
Severe combined immunodeficiency due to DNA-PKcs deficiency. Also called: IMMUNODEFICIENCY 26 WITH NEUROLOGIC ABNORMALITIES; Immunodeficiency 26 with or without neurologic abnormalities. Identifiers: Orphanet 317425, MedGen C4014833, MONDO:0014423, OMIM 615966.

Allele frequency attached by ClinVar (database versions not stated): gnomAD 0.00004; TOPMed 0.00007; ESP Exome Variant Server 0.00008; gnomAD exomes 0.00014; ExAC 0.00015.
gnomAD v4.1: 412 of 1,581,426 alleles (0.026%); highest among the groups gnomAD compares: Non-Finnish European, 0.035%; no homozygotes.

Submissions (2):

Blueprint Genetics
Classification: Uncertain significance. Last evaluated: 2024-10-24. Review status: criteria provided, single submitter. Criteria: ACMG Guidelines, 2015. Collection method: clinical testing. Allele origin: germline.

Labcorp Genetics (formerly Invitae), Labcorp
Classification: Uncertain significance for Severe combined immunodeficiency due to DNA-PKcs deficiency. Last evaluated: 2023-12-07. Review status: criteria provided, single submitter. Criteria: Invitae Variant Classification Sherloc (09022015). Collection method: clinical testing. Allele origin: germline.
Comment: This sequence change replaces aspartic acid, which is acidic and polar, with asparagine, which is neutral and polar, at codon 744 of the PRKDC protein (p.Asp744Asn). This variant is present in population databases (rs35938758, gnomAD 0.03%). This variant has not been reported in the literature in individuals affected with PRKDC-related conditions. ClinVar contains an entry for this variant (Variation ID: 1000377). Advanced modeling of protein sequence and biophysical properties (such as structural, functional, and spatial information, amino acid conservation, physicochemical variation, residue mobility, and thermodynamic stability) performed at Invitae indicates that this missense variant is expected to disrupt PRKDC protein function with a positive predictive value of 80%. In summary, the available evidence is currently insufficient to determine the role of this variant in disease. Therefore, it has been classified as a Variant of Uncertain Significance.

NM_006904.7(PRKDC):c.2230G>A (p.Asp744Asn)

Gene: PRKDC (protein kinase, DNA-activated, catalytic subunit; minus strand). Cytogenetic location: 8q11.21.
Variant type: single nucleotide variant.
Coding change: c.2230G>A on transcript NM_006904.7 (MANE Select); coding-DNA position 2230, G replaced by A.
Protein change: p.Asp744Asn; replaces aspartic acid 744 with asparagine.
Molecular consequence: missense variant.
Genome position (GRCh38, 1-based): chr8:47,927,800, C>T on the plus strand (G>A on the coding strand, the complement: PRKDC is on the minus strand). VCF-style: chr8-47927800-C-T. GRCh37 (hg19) VCF-style: chr8-48840360-C-T.
Other names: c.2230G>A, p.Asp744Asn (NM_001081640.2); short protein forms D744N.
Identifiers: ClinVar variation 1000377 (VCV001000377.5), dbSNP rs35938758, ClinGen allele CA4741510.